The following is an entry in ClinVar:

ClinVar aggregate classification (germline): Conflicting classifications of pathogenicity. Review status: criteria provided, conflicting classifications (1 of 4 stars). 2 submissions from 2 submitters: Likely pathogenic (1); Uncertain significance (1). Last evaluated 2025-10-24.

Conditions:
Niemann-Pick disease, type C1. Also called: NEUROVISCERAL STORAGE DISEASE WITH VERTICAL SUPRANUCLEAR OPHTHALMOPLEGIA; NIEMANN-PICK DISEASE WITH CHOLESTEROL ESTERIFICATION BLOCK; NIEMANN-PICK DISEASE WITHOUT SPHINGOMYELINASE DEFICIENCY; NIEMANN-PICK DISEASE, CHRONIC NEURONOPATHIC FORM; NIEMANN-PICK DISEASE, VARIANT TYPE C1. Identifiers: Orphanet 646, MedGen C3179455, MONDO:0009757, OMIM 257220.

Allele frequency attached by ClinVar (database versions not stated): gnomAD exomes below 0.00001.
gnomAD v4.1: 3 of 1,614,232 alleles (0.00019%); highest among the groups gnomAD compares: Non-Finnish European, 0.00025%; no homozygotes.

Submissions (2):

Women's Health and Genetics/Laboratory Corporation of America, LabCorp
Classification: Uncertain significance. Last evaluated: 2025-10-24. Review status: criteria provided, single submitter. Criteria: LabCorp Variant Classification Summary - May 2015. Collection method: clinical testing. Allele origin: germline.
Comment: Variant summary: NPC1 c.2489T>C (p.Leu830Pro) results in a non-conservative amino acid change in the encoded protein sequence. Algorithms developed to predict the effect of missense changes on protein structure and function all suggest that this variant is likely to be disruptive. The variant was absent in 251478 control chromosomes. The available data on variant occurrences in the general population are insufficient to allow any conclusion about variant significance. c.2489T>C has been observed in the presumed compound heterozygous state in at least one individual affected with Niemann-Pick Disease Type C (example: Freihuber_2023, Heron_2012). This data does not allow any conclusion about variant significance. To our knowledge, no experimental evidence demonstrating an impact on protein function has been reported. The following publications have been ascertained in the context of this evaluation (PMID: 22676771, 37480097). ClinVar contains an entry for this variant (Variation ID: 2736704). Based on the evidence outlined above, the variant was classified as uncertain significance.

Labcorp Genetics (formerly Invitae), Labcorp
Classification: Likely pathogenic for Niemann-Pick disease, type C1. Last evaluated: 2022-11-29. Review status: criteria provided, single submitter. Criteria: Invitae Variant Classification Sherloc (09022015). Collection method: clinical testing. Allele origin: germline.
Comment: In summary, the currently available evidence indicates that the variant is pathogenic, but additional data are needed to prove that conclusively. Therefore, this variant has been classified as Likely Pathogenic. Advanced modeling of protein sequence and biophysical properties (such as structural, functional, and spatial information, amino acid conservation, physicochemical variation, residue mobility, and thermodynamic stability) performed at Invitae indicates that this missense variant is expected to disrupt NPC1 protein function. This missense change has been observed in individual(s) with Niemann-Pick disease type C (PMID: 22676771). This variant is not present in population databases (gnomAD no frequency). This sequence change replaces leucine, which is neutral and non-polar, with proline, which is neutral and non-polar, at codon 830 of the NPC1 protein (p.Leu830Pro).

Literature cited by the submitters: PubMed 22676771 (cited by Women's Health and Genetics/Laboratory Corporation of America, LabCorp and Labcorp Genetics (formerly Invitae), Labcorp); PubMed 37480097 (cited by Women's Health and Genetics/Laboratory Corporation of America, LabCorp).

NM_000271.5(NPC1):c.2489T>C (p.Leu830Pro)

Gene: NPC1 (NPC intracellular cholesterol transporter 1; minus strand). Cytogenetic location: 18q11.2.
Variant type: single nucleotide variant.
Coding change: c.2489T>C on transcript NM_000271.5 (MANE Select); coding-DNA position 2489, T replaced by C.
Protein change: p.Leu830Pro; replaces leucine 830 with proline.
Molecular consequence: missense variant.
Genome position (GRCh38, 1-based): chr18:23,541,093, A>G on the plus strand (T>C on the coding strand, the complement: NPC1 is on the minus strand). VCF-style: chr18-23541093-A-G. GRCh37 (hg19) VCF-style: chr18-21121057-A-G.
Other names: short protein forms L830P.
Identifiers: ClinVar variation 2736704 (VCV002736704.6), dbSNP rs770700616, ClinGen allele CA401793320.